The following is an entry in ClinVar:

ClinVar aggregate classification (germline): Uncertain significance (1 of 4 stars; one submission).

Conditions:
Combined immunodeficiency due to LRBA deficiency. Also called: Common variable immunodeficiency 8, with autoimmunity. Identifiers: Orphanet 445018, MedGen C3553512, MONDO:0013863, OMIM 614700.

Allele frequency attached by ClinVar (database versions not stated): gnomAD exomes 0.00001; ExAC 0.00002; ESP Exome Variant Server 0.00008.
gnomAD v4.1: 29 of 1,612,896 alleles (0.0018%); highest among the groups gnomAD compares: Non-Finnish European, 0.0024%; no homozygotes.

Submission:

Labcorp Genetics (formerly Invitae), Labcorp
Classification: Uncertain significance for Combined immunodeficiency due to LRBA deficiency. Last evaluated: 2025-12-10. Review status: criteria provided, single submitter. Criteria: Invitae Variant Classification Sherloc (09022015). Collection method: clinical testing. Allele origin: germline.
Comment: This sequence change replaces valine, which is neutral and non-polar, with alanine, which is neutral and non-polar, at codon 611 of the LRBA protein (p.Val611Ala). This variant is present in population databases (rs372038367, gnomAD 0.003%). This variant has not been reported in the literature in individuals affected with LRBA-related conditions. ClinVar contains an entry for this variant (Variation ID: 1411523). Invitae Evidence Modeling of protein sequence and biophysical properties (such as structural, functional, and spatial information, amino acid conservation, physicochemical variation, residue mobility, and thermodynamic stability) indicates that this missense variant is expected to disrupt LRBA protein function with a positive predictive value of 80%. In summary, the available evidence is currently insufficient to determine the role of this variant in disease. Therefore, it has been classified as a Variant of Uncertain Significance.

NM_001364905.1(LRBA):c.1832T>C (p.Val611Ala)

Gene: LRBA (LPS responsive beige-like anchor protein; minus strand). Cytogenetic location: 4q31.3.
Variant type: single nucleotide variant.
Coding change: c.1832T>C on transcript NM_001364905.1 (MANE Select); coding-DNA position 1832, T replaced by C.
Protein change: p.Val611Ala; replaces valine 611 with alanine.
Molecular consequence: missense variant.
Genome position (GRCh38, 1-based): chr4:150,900,141, A>G on the plus strand (T>C on the coding strand, the complement: LRBA is on the minus strand). VCF-style: chr4-150900141-A-G. GRCh37 (hg19) VCF-style: chr4-151821293-A-G.
Other names: c.1832T>C, p.Val611Ala (NM_001199282.3, NM_001367550.1, NM_006726.5); short protein forms V611A.
Identifiers: ClinVar variation 1411523 (VCV001411523.4), dbSNP rs372038367, ClinGen allele CA3103463.
Genomic context (GRCh38, chr4:150,900,141, plus strand): 5'-TGAGGATTCACTGCCCAGTAGTAGTACTTCAGCGTGTGCATGATGAGAAGCACTGTTCCA[A>G]CTCTCCGAATGGTGTTATATATGTTGACTGTACCAATGAATTCCGTGGACAGATAAGTAT-3'
Protein context (NP_001351834.1, residues 601-621): TVNIYNTIRR[Val611Ala]GTVLLIMHTL